The following is an entry in ClinVar:

NM_001267550.2(TTN):c.33418+11del

Gene: TTN (titin; minus strand). Cytogenetic location: 2q31.2.
Variant type: Deletion.
Coding change: c.33418+11del on transcript NM_001267550.2 (MANE Select); 11 bases into the intron after coding-DNA position 33418, one base deleted (G; older notation c.33418+11delG).
Molecular consequence: intron variant.
Genome position (GRCh38, 1-based): chr2:178,680,243, C deleted on the plus strand (G on the coding strand, the reverse complement: TTN is on the minus strand); the first of 2 consecutive C bases (chr2:178,680,243-178,680,244); deleting either gives the same sequence. VCF-style (leftmost placement, unchanged base first): chr2-178680242-GC-G. GRCh37 (hg19) VCF-style: chr2-179544969-GC-G.
Other names: c.32467+11delG (NM_001256850.1); c.13283-37926del (NM_003319.4); c.13859-37926del (NM_133437.4); c.13658-37926del (NM_133432.3); c.29686+11del (NM_133378.4); c.32467+11del (NM_001256850.1).
Identifiers: ClinVar variation 681991 (VCV000681991.11), dbSNP rs779637808, ClinGen allele CA1998350.

ClinVar aggregate classification (germline): Likely benign. Review status: criteria provided, multiple submitters, no conflicts (2 of 4 stars). 4 submissions from 4 submitters: Likely benign (4). Last evaluated 2025-10-24.

Conditions:
Dilated cardiomyopathy 1G (CMD1G). Identifiers: Orphanet 154, MedGen C1858763, MONDO:0011400, OMIM 604145.
Myopathy, myofibrillar, 9, with early respiratory failure (MFM9). Also called: Hereditary myopathy with early respiratory failure; EDSTROM MYOPATHY; MYOPATHY, PROXIMAL, WITH EARLY RESPIRATORY MUSCLE INVOLVEMENT; Myopathy, distal, with early respiratory failure, autosomal dominant. Identifiers: Orphanet 178464, Orphanet 34521, MedGen C1863599, MONDO:0011362, OMIM 603689.
Autosomal recessive limb-girdle muscular dystrophy type 2J (LGMDR10). Also called: Limb-girdle muscular dystrophy, type 2J; MUSCULAR DYSTROPHY, LIMB-GIRDLE, AUTOSOMAL RECESSIVE 10. Identifiers: Orphanet 140922, MedGen C1837342, MONDO:0012127, OMIM 608807.
Hypertrophic cardiomyopathy 9. Also called: Familial hypertrophic cardiomyopathy 9. Identifiers: MedGen C1861065, MONDO:0013412, OMIM 613765.
Tibial muscular dystrophy (TMD). Also called: Tibial muscular dystrophy, tardive; UDD MYOPATHY; Udd Distal Myopathy – Tibial Muscular Dystrophy. Identifiers: Orphanet 609, MedGen C1838244, MONDO:0010870, OMIM 600334.
Early-onset myopathy with fatal cardiomyopathy (CMYO5). Also called: CONGENITAL MYOPATHY 5 WITH CARDIOMYOPATHY; Salih Myopathy. Identifiers: Orphanet 289377, MedGen C2673677, MONDO:0012714, OMIM 611705. Disease mechanism: loss of function.

Submissions (4):

Labcorp Genetics (formerly Invitae), Labcorp
Classification: Likely benign for Dilated cardiomyopathy 1G; Autosomal recessive limb-girdle muscular dystrophy type 2J. Last evaluated: 2025-10-24. Review status: criteria provided, single submitter. Criteria: Invitae Variant Classification Sherloc (09022015). Collection method: clinical testing. Allele origin: germline.

Blueprint Genetics
Classification: Likely benign. Last evaluated: 2024-11-22. Review status: criteria provided, single submitter. Criteria: ACMG Guidelines, 2015. Collection method: clinical testing. Allele origin: germline.

Fulgent Genetics
Classification: Likely benign for Tibial muscular dystrophy; Myopathy, myofibrillar, 9, with early respiratory failure; Dilated cardiomyopathy 1G; Autosomal recessive limb-girdle muscular dystrophy type 2J; Early-onset myopathy with fatal cardiomyopathy; Hypertrophic cardiomyopathy 9. Last evaluated: 2021-09-30. Review status: criteria provided, single submitter. Criteria: ACMG Guidelines, 2015. Collection method: clinical testing. Allele origin: unknown.

GeneDx
Classification: Likely benign. Last evaluated: 2018-04-06. Review status: criteria provided, single submitter. Criteria: GeneDx Variant Classification (06012015). Collection method: clinical testing. Allele origin: germline. Affected: yes.
Comment: This variant is considered likely benign or benign based on one or more of the following criteria: it is a conservative change, it occurs at a poorly conserved position in the protein, it is predicted to be benign by multiple in silico algorithms, and/or has population frequency not consistent with disease.